The following is an entry in ClinVar:

NM_001165963.4(SCN1A):c.333A>G (p.Leu111=)

Gene: SCN1A (sodium voltage-gated channel alpha subunit 1; minus strand). Cytogenetic location: 2q24.3.
Variant type: single nucleotide variant.
Coding change: c.333A>G on transcript NM_001165963.4 (MANE Select); coding-DNA position 333, A replaced by G.
Protein change: p.Leu111=; no amino-acid change (leucine 111 retained).
Molecular consequence: synonymous variant. On other transcripts: 5 prime UTR variant (1), non-coding transcript variant (1).
Genome position (GRCh38, 1-based): chr2:166,058,620, T>C on the plus strand (A>G on the coding strand, the complement: SCN1A is on the minus strand). VCF-style: chr2-166058620-T-C. GRCh37 (hg19) VCF-style: chr2-166915130-T-C.
Other names: p.L111L:TTA>TTG; c.333A>G, p.Leu111= (NM_001165964.3, NM_001202435.3, NM_001353948.2 and 10 more transcripts); c.-2093A>G (NM_001353961.2).
Identifiers: ClinVar variation 138971 (VCV000138971.39), dbSNP rs201592683, ClinGen allele CA293157.
Genomic context (GRCh38, chr2:166,058,620, plus strand): 5'-AAAAGGATATGAATGTACCAAAATCTTAATAGCTATTTTCCTAAGAGGATTGAAGGGAGT[T>C]AAAATGTACAGGGCAGAGGTGGCACTGAACCGGAAGATGGCCTTCCCTTTATTCAATACT-3'
Protein context (NP_001159435.1, residues 101-121): RFSATSALYI[Leu111=]TPFNPLRKIA

ClinVar aggregate classification (germline): Conflicting classifications of pathogenicity. Review status: criteria provided, conflicting classifications (1 of 4 stars). 6 submissions from 5 submitters: Uncertain significance (2); Benign (1); Likely benign (3). Last evaluated 2025-09-18.

Conditions:
Early-infantile DEE. Also called: Early infantile epileptic encephalopathy; Early infantile epileptic encephalopathy with suppression bursts; Ohtahara syndrome. Identifiers: Orphanet 1934, MedGen C0393706, MONDO:0800491.
Generalized epilepsy with febrile seizures plus, type 2 (GEFSP2). Also called: GEFS+, TYPE 2. Identifiers: Orphanet 36387, MedGen C1858673, MONDO:0011461, OMIM 604403.
Migraine, familial hemiplegic, 3. Identifiers: Orphanet 569, MedGen C1864987, MONDO:0012320, OMIM 609634.

Allele frequency attached by ClinVar (database versions not stated): gnomAD 0.00006 and 0.00007; gnomAD exomes 0.00006 and 0.00015; TOPMed 0.00008; ExAC 0.00014.
gnomAD v4.1: 103 of 1,612,436 alleles (0.0064%); highest among the groups gnomAD compares: Non-Finnish European, 0.0046%; no homozygotes.

Submissions (6):

Labcorp Genetics (formerly Invitae), Labcorp
Classification: Likely benign for Early-infantile DEE. Last evaluated: 2025-09-18. Review status: criteria provided, single submitter. Criteria: Invitae Variant Classification Sherloc (09022015). Collection method: clinical testing. Allele origin: germline.

Blueprint Genetics
Classification: Likely benign. Last evaluated: 2024-10-25. Review status: criteria provided, single submitter. Criteria: ACMG Guidelines, 2015. Collection method: clinical testing. Allele origin: germline.

CeGaT Center for Human Genetics Tuebingen
Classification: Likely benign. Last evaluated: 2023-06-01. Review status: criteria provided, single submitter. Criteria: CeGaT Center For Human Genetics Tuebingen Variant Classification Criteria Version 2. Collection method: clinical testing. Allele origin: germline. Affected: yes. Observed: 1 variant allele.
Comment: SCN1A: BP4, BS1

Illumina Laboratory Services, Illumina
Classification: Uncertain significance for Migraine, familial hemiplegic, 3. Last evaluated: 2018-01-12. Review status: criteria provided, single submitter. Criteria: ICSL Variant Classification Criteria 13 December 2019. Collection method: clinical testing. Allele origin: germline.

Illumina Laboratory Services, Illumina
Classification: Uncertain significance for Generalized epilepsy with febrile seizures plus, type 2. Last evaluated: 2018-01-12. Review status: criteria provided, single submitter. Criteria: ICSL Variant Classification Criteria 13 December 2019. Collection method: clinical testing. Allele origin: germline.

GeneDx
Classification: Benign. Last evaluated: 2013-01-17. Review status: criteria provided, single submitter. Criteria: GeneDx Variant Classification (06012015). Collection method: clinical testing. Allele origin: germline. Affected: yes.
Comment: This variant is considered likely benign or benign based on one or more of the following criteria: it is a conservative change, it occurs at a poorly conserved position in the protein, it is predicted to be benign by multiple in silico algorithms, and/or has population frequency not consistent with disease.